The following is an entry in ClinVar:

ClinVar aggregate classification (germline): Conflicting classifications of pathogenicity. Review status: criteria provided, conflicting classifications (1 of 4 stars). 12 submissions from 8 submitters: Uncertain significance (5); Likely benign (3). 4 of the submissions do not count toward it. Last evaluated 2026-08-28.

Conditions:
TTN-related disorder. Also called: TTN-related condition; TTN-related disease; TTN-related disorders.
Autosomal recessive limb-girdle muscular dystrophy type 2J (LGMDR10). Also called: MUSCULAR DYSTROPHY, LIMB-GIRDLE, AUTOSOMAL RECESSIVE 10; Limb-girdle muscular dystrophy, type 2J. Identifiers: Orphanet 140922, MedGen C1837342, MONDO:0012127, OMIM 608807.
Cardiovascular phenotype. Identifiers: MedGen CN230736.
Dilated cardiomyopathy 1G (CMD1G). Identifiers: Orphanet 154, MedGen C1858763, MONDO:0011400, OMIM 604145.
Early-onset myopathy with fatal cardiomyopathy (CMYO5). Also called: CONGENITAL MYOPATHY 5 WITH CARDIOMYOPATHY; Salih Myopathy. Identifiers: Orphanet 289377, MedGen C2673677, MONDO:0012714, OMIM 611705. Disease mechanism: loss of function.
Myopathy, myofibrillar, 9, with early respiratory failure (MFM9). Also called: Myopathy, distal, with early respiratory failure, autosomal dominant; Hereditary myopathy with early respiratory failure; EDSTROM MYOPATHY; MYOPATHY, PROXIMAL, WITH EARLY RESPIRATORY MUSCLE INVOLVEMENT. Identifiers: Orphanet 178464, Orphanet 34521, MedGen C1863599, MONDO:0011362, OMIM 603689.
Tibial muscular dystrophy (TMD). Also called: UDD MYOPATHY; Udd Distal Myopathy – Tibial Muscular Dystrophy; Tibial muscular dystrophy, tardive. Identifiers: Orphanet 609, MedGen C1838244, MONDO:0010870, OMIM 600334.

Allele frequency attached by ClinVar (database versions not stated): ExAC 0.00001; gnomAD exomes 0.00001 and 0.00002; TOPMed 0.00003; gnomAD 0.00005 and 0.00006.
gnomAD v4.1: 23 of 1,613,096 alleles (0.0014%); highest among the groups gnomAD compares: Admixed American, 0.005%; no homozygotes.

Submissions (12):

PreventionGenetics, part of Exact Sciences
Classification: Likely benign for TTN-related condition. Last evaluated: 2026-08-28. Review status: criteria provided, single submitter. Criteria: ACMG Guidelines, 2015. Collection method: clinical testing. Allele origin: germline.
Comment: This variant is classified as likely benign based on ACMG/AMP sequence variant interpretation guidelines (Richards et al. 2015 PMID: 25741868, with internal and published modifications).

Labcorp Genetics (formerly Invitae), Labcorp
Classification: Likely benign for Dilated cardiomyopathy 1G; Autosomal recessive limb-girdle muscular dystrophy type 2J. Last evaluated: 2025-05-14. Review status: criteria provided, single submitter. Criteria: Invitae Variant Classification Sherloc (09022015). Collection method: clinical testing. Allele origin: germline.

Ambry Genetics
Classification: Likely benign for Cardiovascular phenotype. Last evaluated: 2021-05-03. Review status: criteria provided, single submitter. Criteria: Ambry Variant Classification Scheme 2023. Collection method: clinical testing. Allele origin: germline.

Illumina Laboratory Services, Illumina
Classification: Uncertain significance for Tibial muscular dystrophy. Last evaluated: 2018-01-13. Review status: criteria provided, single submitter. Criteria: ICSL Variant Classification Criteria 13 December 2019. Collection method: clinical testing. Allele origin: germline.

Illumina Laboratory Services, Illumina
Classification: Uncertain significance for Autosomal recessive limb-girdle muscular dystrophy type 2J. Last evaluated: 2018-01-13. Review status: criteria provided, single submitter. Criteria: ICSL Variant Classification Criteria 13 December 2019. Collection method: clinical testing. Allele origin: germline.

Illumina Laboratory Services, Illumina
Classification: Uncertain significance for Myopathy, myofibrillar, 9, with early respiratory failure. Last evaluated: 2018-01-13. Review status: criteria provided, single submitter. Criteria: ICSL Variant Classification Criteria 13 December 2019. Collection method: clinical testing. Allele origin: germline.

Illumina Laboratory Services, Illumina
Classification: Uncertain significance for Dilated cardiomyopathy 1G. Last evaluated: 2018-01-13. Review status: criteria provided, single submitter. Criteria: ICSL Variant Classification Criteria 13 December 2019. Collection method: clinical testing. Allele origin: germline.

Illumina Laboratory Services, Illumina
Classification: Uncertain significance for Early-onset myopathy with fatal cardiomyopathy. Last evaluated: 2018-01-13. Review status: criteria provided, single submitter. Criteria: ICSL Variant Classification Criteria 13 December 2019. Collection method: clinical testing. Allele origin: germline.

Clinical Genetics DNA and cytogenetics Diagnostics Lab, Erasmus MC, Erasmus Medical Center
Classification: Likely benign. Review status: no assertion criteria provided. Collection method: clinical testing. Allele origin: germline. Affected: yes. Study: VKGL Data-share Consensus. Not counted in ClinVar's aggregate classification.

Clinical Genetics, Academic Medical Center
Classification: Benign. Review status: no assertion criteria provided. Collection method: clinical testing. Allele origin: germline. Affected: yes. Study: VKGL Data-share Consensus. Not counted in ClinVar's aggregate classification.

Genome Diagnostics Laboratory, University Medical Center Utrecht
Classification: Likely benign. Review status: no assertion criteria provided. Collection method: clinical testing. Allele origin: germline. Affected: yes. Study: VKGL Data-share Consensus. Not counted in ClinVar's aggregate classification.

Joint Genome Diagnostic Labs from Nijmegen and Maastricht, Radboudumc and MUMC+
Classification: Benign. Review status: no assertion criteria provided. Collection method: clinical testing. Allele origin: germline. Affected: yes. Study: VKGL Data-share Consensus. Not counted in ClinVar's aggregate classification.

NM_001267550.2(TTN):c.73491T>C (p.Tyr24497=)

Genes: TTN (titin; minus strand), TTN-AS1 (TTN antisense RNA 1; plus strand). Cytogenetic location: 2q31.2.
Variant type: single nucleotide variant.
Coding change: c.73491T>C on transcript NM_001267550.2 (MANE Select); coding-DNA position 73491, T replaced by C.
Protein change: p.Tyr24497=; no amino-acid change (tyrosine 24497 retained).
Molecular consequence: synonymous variant.
Genome position (GRCh38, 1-based): chr2:178,572,641, A>G on the plus strand (T>C on the coding strand, the complement: TTN is on the minus strand). VCF-style: chr2-178572641-A-G. GRCh37 (hg19) VCF-style: chr2-179437368-A-G.
Other names: c.68568T>C, p.Tyr22856= (NM_001256850.1); c.46296T>C, p.Tyr15432= (NM_003319.4); c.65787T>C, p.Tyr21929= (NM_133378.4); c.46671T>C, p.Tyr15557= (NM_133432.3); c.46872T>C, p.Tyr15624= (NM_133437.4).
Identifiers: ClinVar variation 893514 (VCV000893514.20), dbSNP rs545377175, ClinGen allele CA1990363.